The following is an entry in ClinVar:

NM_006766.5(KAT6A):c.3026C>T (p.Thr1009Met)

Gene: KAT6A (lysine acetyltransferase 6A; minus strand). Cytogenetic location: 8p11.21.
Variant type: single nucleotide variant.
Coding change: c.3026C>T on transcript NM_006766.5 (MANE Select); coding-DNA position 3026, C replaced by T.
Protein change: p.Thr1009Met; replaces threonine 1009 with methionine.
Molecular consequence: missense variant.
Genome position (GRCh38, 1-based): chr8:41,940,855, G>A on the plus strand (C>T on the coding strand, the complement: KAT6A is on the minus strand). VCF-style: chr8-41940855-G-A. GRCh37 (hg19) VCF-style: chr8-41798373-G-A.
Other names: short protein forms T1009M.
Identifiers: ClinVar variation 595202 (VCV000595202.30), dbSNP rs750975358, ClinGen allele CA175944364.
Genomic context (GRCh38, chr8:41,940,855, plus strand): 5'-ATAAACTGGAATTGGAGGAAGAGAAGACCTGGAAAGAAATGCGTTACCTTTCGCTTCAGC[G>A]TGGGCTTTGTGAGAATTGGTGGCGAGCTTGACCGAGGGCTTTCCGGCTCCTCCTCCTCCT-3'
Protein context (NP_006757.2, residues 999-1019): SSSPPILTKP[Thr1009Met]LKRKKPFLHR

ClinVar aggregate classification (germline): Conflicting classifications of pathogenicity. Review status: criteria provided, conflicting classifications (1 of 4 stars). 3 submissions from 3 submitters: Uncertain significance (1); Benign (1); Likely benign (1). Last evaluated 2024-01-08.

Allele frequency attached by ClinVar (database versions not stated): gnomAD 0.00001; TOPMed 0.00001.
gnomAD v4.1: 9 of 1,610,856 alleles (0.00056%); highest among the groups gnomAD compares: East Asian, 0.0022%; no homozygotes.

Submissions (3):

Labcorp Genetics (formerly Invitae), Labcorp
Classification: Benign. Last evaluated: 2024-01-08. Review status: criteria provided, single submitter. Criteria: Invitae Variant Classification Sherloc (09022015). Collection method: clinical testing. Allele origin: germline.

CeGaT Center for Human Genetics Tuebingen
Classification: Likely benign. Last evaluated: 2024-01-01. Review status: criteria provided, single submitter. Criteria: CeGaT Center For Human Genetics Tuebingen Variant Classification Criteria Version 2. Collection method: clinical testing. Allele origin: germline. Affected: yes. Observed: 1 variant allele.
Comment: KAT6A: BP4

Eurofins Ntd Llc (ga)
Classification: Uncertain significance. Last evaluated: 2017-11-29. Review status: criteria provided, single submitter. Criteria: EGL Classification Definitions 2015. Collection method: clinical testing. Allele origin: germline. Observed: 1 variant allele, 1 heterozygote.